The following is an entry in ClinVar:

ClinVar aggregate classification (germline): Uncertain significance. Review status: criteria provided, multiple submitters, no conflicts (2 of 4 stars). 2 submissions from 2 submitters: Uncertain significance (2). Last evaluated 2025-06-13.

Allele frequency attached by ClinVar (database versions not stated): ESP Exome Variant Server 0.00015.

Submissions (2):

Labcorp Genetics (formerly Invitae), Labcorp
Classification: Uncertain significance. Last evaluated: 2025-06-13. Review status: criteria provided, single submitter. Criteria: Invitae Variant Classification Sherloc (09022015). Collection method: clinical testing. Allele origin: germline.
Comment: This sequence change replaces arginine, which is basic and polar, with glycine, which is neutral and non-polar, at codon 98 of the COA3 protein (p.Arg98Gly). This variant is present in population databases (rs150778923, gnomAD 0.06%). This variant has not been reported in the literature in individuals affected with COA3-related conditions. ClinVar contains an entry for this variant (Variation ID: 2198435). Experimental studies and prediction algorithms are not available or were not evaluated, and the functional significance of this variant is currently unknown. In summary, the available evidence is currently insufficient to determine the role of this variant in disease. Therefore, it has been classified as a Variant of Uncertain Significance.

Ambry Genetics
Classification: Uncertain significance. Last evaluated: 2025-05-17. Review status: criteria provided, single submitter. Criteria: Ambry Variant Classification Scheme 2023. Collection method: clinical testing. Allele origin: germline.

NM_001040431.3(COA3):c.292C>G (p.Arg98Gly)

Gene: COA3 (cytochrome c oxidase assembly factor 3; minus strand). Cytogenetic location: 17q21.2.
Variant type: single nucleotide variant.
Coding change: c.292C>G on transcript NM_001040431.3 (MANE Select); coding-DNA position 292, C replaced by G.
Protein change: p.Arg98Gly; replaces arginine 98 with glycine.
Molecular consequence: missense variant.
Genome position (GRCh38, 1-based): chr17:42,798,090, G>C on the plus strand (C>G on the coding strand, the complement: COA3 is on the minus strand). VCF-style: chr17-42798090-G-C. GRCh37 (hg19) VCF-style: chr17-40950108-G-C.
Other names: c.292C>G (NM_001040431.1); short protein forms R98G.
Identifiers: ClinVar variation 2198435 (VCV002198435.7), dbSNP rs150778923, ClinGen allele CA8584726.